The following is an entry in ClinVar:

ClinVar aggregate classification (germline): Pathogenic (1 of 4 stars; one submission).

Conditions:
Charlevoix-Saguenay spastic ataxia (SACS). Also called: SPASTIC ATAXIA 6, AUTOSOMAL RECESSIVE; AUTOSOMAL RECESSIVE SPASTIC ATAXIA OF CHARLEVOIX-SAGUENAY; Spastic ataxia of Charlevoix-Saguenay. Identifiers: Orphanet 98, MedGen C1849140, MONDO:0010041, OMIM 270550.

Submission:

Myriad Genetics, Inc.
Classification: Pathogenic for Charlevoix-Saguenay spastic ataxia. Last evaluated: 2026-04-15. Review status: criteria provided, single submitter. Criteria: Myriad Autosomal Dominant, Autosomal Recessive and X-Linked Classification Criteria (2023). Collection method: clinical testing. Allele origin: unknown.
Comment: NM_014363.4(SACS):c.9168T>G(Y3056*) is a nonsense variant classified as pathogenic in the context of autosomal recessive spastic ataxia of Charlevoix-Saguenay. Y3056* has not been observed in cases with relevant disease. Relevant functional assessments of this variant are not available in the literature. Y3056* has not been observed in referenced population frequency databases. In summary, NM_014363.4(SACS):c.9168T>G(Y3056*) is a nonsense variant in a gene where loss of function is a known mechanism of disease and is predicted to disrupt protein function. Please note: this variant was assessed in the context of healthy population screening.

NM_014363.6(SACS):c.9168T>G (p.Tyr3056Ter)

Gene: SACS (sacsin molecular chaperone; minus strand). Cytogenetic location: 13q12.12.
Variant type: single nucleotide variant.
Coding change: c.9168T>G on transcript NM_014363.6 (MANE Select); coding-DNA position 9168, T replaced by G.
Protein change: p.Tyr3056Ter; replaces tyrosine 3056 with a stop codon.
Molecular consequence: nonsense.
Genome position (GRCh38, 1-based): chr13:23,334,708, A>C on the plus strand (T>G on the coding strand, the complement: SACS is on the minus strand). VCF-style: chr13-23334708-A-C. GRCh37 (hg19) VCF-style: chr13-23908847-A-C.
Other names: c.8727T>G, p.Tyr2909Ter (NM_001278055.2); c.9195T>G, p.Tyr3065Ter (NM_001437336.1); short protein forms Y2909*, Y3056*, Y3065*.
Identifiers: ClinVar variation 5003643 (VCV005003643.1).